The following is an entry in ClinVar:

ClinVar aggregate classification (germline): Uncertain significance (1 of 4 stars; one submission).

Conditions:
GTF2IRD1-related disorder. Also called: GTF2IRD1-related condition.

Submission:

PreventionGenetics, part of Exact Sciences
Classification: Uncertain significance for GTF2IRD1-related condition. Last evaluated: 2025-10-27. Review status: criteria provided, single submitter. Criteria: ACMG Guidelines, 2015. Collection method: clinical testing. Allele origin: germline.
Comment: The GTF2IRD1 c.2633A>G variant is predicted to result in the amino acid substitution p.Glu878Gly. To our knowledge, this variant has not been reported in the literature or in a large population database (gnomAD), indicating this variant is rare. At this time, the clinical significance of this variant is uncertain due to the absence of conclusive functional and genetic evidence.

NM_005685.4(GTF2IRD1):c.2537A>G (p.Glu846Gly)

Gene: GTF2IRD1 (GTF2I repeat domain containing 1; plus strand). Cytogenetic location: 7q11.23.
Variant type: single nucleotide variant.
Coding change: c.2537A>G on transcript NM_005685.4 (MANE Select); coding-DNA position 2537, A replaced by G.
Protein change: p.Glu846Gly; replaces glutamic acid 846 with glycine.
Molecular consequence: missense variant.
Genome position (GRCh38, 1-based): chr7:74,590,963, A>G. VCF-style: chr7-74590963-A-G. GRCh37 (hg19) VCF-style: chr7-74005292-A-G.
Other names: c.2633A>G, p.Glu878Gly (NM_001199207.2); c.2537A>G, p.Glu846Gly (NM_001410888.1); c.2582A>G, p.Glu861Gly (NM_016328.3); short protein forms E861G, E846G, E878G.
Identifiers: ClinVar variation 4983702 (VCV004983702.1).
Genomic context (GRCh38, chr7:74,590,963, plus strand): 5'-CGGGTCTGCCTGATGACATCCCCTTCCGGAACCCCAACACGTACGACATCCACCGGCTGG[A>G]GAAGATCCTGAAGGCCCGAGAGCATGTCCGCATGGTCATCATTAACCAGCTCCAGTGAGT-3'
Protein context (NP_005676.3, residues 836-856): NPNTYDIHRL[Glu846Gly]KILKAREHVR